The following is an entry in ClinVar:

ClinVar aggregate classification (germline): Uncertain significance (1 of 4 stars; one submission).

Allele frequency attached by ClinVar (database versions not stated): gnomAD exomes 0.00001; TOPMed 0.00001; ExAC 0.00003.
gnomAD v4.1: 12 of 1,614,148 alleles (0.00074%); highest among the groups gnomAD compares: Admixed American, 0.0067%; no homozygotes.

Submission:

Labcorp Genetics (formerly Invitae), Labcorp
Classification: Uncertain significance. Last evaluated: 2024-12-02. Review status: criteria provided, single submitter. Criteria: Invitae Variant Classification Sherloc (09022015). Collection method: clinical testing. Allele origin: germline.
Comment: This sequence change replaces serine, which is neutral and polar, with leucine, which is neutral and non-polar, at codon 444 of the VCAN protein (p.Ser444Leu). This variant is present in population databases (rs765391867, gnomAD 0.02%). This variant has not been reported in the literature in individuals affected with VCAN-related conditions. ClinVar contains an entry for this variant (Variation ID: 1908208). An algorithm developed to predict the effect of missense changes on protein structure and function outputs the following: PolyPhen-2: "Benign". The leucine amino acid residue is found in multiple mammalian species, which suggests that this missense change does not adversely affect protein function. In summary, the available evidence is currently insufficient to determine the role of this variant in disease. Therefore, it has been classified as a Variant of Uncertain Significance.

NM_004385.5(VCAN):c.1331C>T (p.Ser444Leu)

Gene: VCAN (versican; plus strand). Cytogenetic location: 5q14.3.
Variant type: single nucleotide variant.
Coding change: c.1331C>T on transcript NM_004385.5 (MANE Select); coding-DNA position 1331, C replaced by T.
Protein change: p.Ser444Leu; replaces serine 444 with leucine.
Molecular consequence: missense variant. On other transcripts: intron variant (2).
Genome position (GRCh38, 1-based): chr5:83,519,637, C>T. VCF-style: chr5-83519637-C-T. GRCh37 (hg19) VCF-style: chr5-82815456-C-T.
Other names: c.1331C>T, p.Ser444Leu (NM_001164098.2); c.1042+7241C>T (NM_001164097.2, NM_001126336.3); short protein forms S444L.
Identifiers: ClinVar variation 1908208 (VCV001908208.5), dbSNP rs765391867, ClinGen allele CA3332651.